The following is an entry in ClinVar:

ClinVar aggregate classification (germline): Uncertain significance (1 of 4 stars; one submission).

Conditions:
3-methylcrotonyl-CoA carboxylase 2 deficiency. Also called: METHYLCROTONYLGLYCINURIA, TYPE II; 3 alpha methylcrotonyl-CoA carboxylase 2 deficiency; 3 alpha methylcrotonylglycinuria 2; MCC 2 deficiency; Methylcrotonylglycinuria type 2. Identifiers: Orphanet 6, MedGen C1859499, MONDO:0008862, OMIM 210210.

Submission:

Labcorp Genetics (formerly Invitae), Labcorp
Classification: Uncertain significance for 3-methylcrotonyl-CoA carboxylase 2 deficiency. Last evaluated: 2025-10-23. Review status: criteria provided, single submitter. Criteria: Invitae Variant Classification Sherloc (09022015). Collection method: clinical testing. Allele origin: germline.
Comment: This sequence change replaces isoleucine, which is neutral and non-polar, with methionine, which is neutral and non-polar, at codon 470 of the MCCC2 protein (p.Ile470Met). This variant is present in population databases (rs746527479, gnomAD 0.007%). This variant has not been reported in the literature in individuals affected with MCCC2-related conditions. Invitae Evidence Modeling of protein sequence and biophysical properties (such as structural, functional, and spatial information, amino acid conservation, physicochemical variation, residue mobility, and thermodynamic stability) has been performed for this missense variant. However, the output from this modeling did not meet the statistical confidence thresholds required to predict the impact of this variant on MCCC2 protein function. In summary, the available evidence is currently insufficient to determine the role of this variant in disease. Therefore, it has been classified as a Variant of Uncertain Significance.

NM_022132.5(MCCC2):c.1410C>G (p.Ile470Met)

Gene: MCCC2 (methylcrotonyl-CoA carboxylase subunit 2; plus strand). Cytogenetic location: 5q13.2.
Variant type: single nucleotide variant.
Coding change: c.1410C>G on transcript NM_022132.5 (MANE Select); coding-DNA position 1410, C replaced by G.
Protein change: p.Ile470Met; replaces isoleucine 470 with methionine.
Molecular consequence: missense variant.
Genome position (GRCh38, 1-based): chr5:71,650,105, C>G. VCF-style: chr5-71650105-C-G. GRCh37 (hg19) VCF-style: chr5-70945932-C-G.
Other names: c.1296C>G, p.Ile432Met (NM_001363147.1); short protein forms I432M, I470M.
Identifiers: ClinVar variation 4807545 (VCV004807545.1).